The following is an entry in ClinVar:

ClinVar aggregate classification (germline): Conflicting classifications of pathogenicity. Review status: criteria provided, conflicting classifications (1 of 4 stars). 2 submissions from 2 submitters: Uncertain significance (1); Likely benign (1). Last evaluated 2025-05-04.

Conditions:
Inborn genetic diseases. Identifiers: MedGen C0950123, MeSH D030342.
Developmental and epileptic encephalopathy, 30 (DEE30). Also called: Epileptic encephalopathy, early infantile, 30. Identifiers: MedGen C4225360, MONDO:0014595, OMIM 616341.

Allele frequency attached by ClinVar (database versions not stated): ExAC 0.00001; gnomAD exomes 0.00001.

Submissions (2):

Labcorp Genetics (formerly Invitae), Labcorp
Classification: Uncertain significance for Developmental and epileptic encephalopathy, 30. Last evaluated: 2025-05-04. Review status: criteria provided, single submitter. Criteria: Invitae Variant Classification Sherloc (09022015). Collection method: clinical testing. Allele origin: germline.
Comment: This sequence change replaces glycine, which is neutral and non-polar, with serine, which is neutral and polar, at codon 640 of the SIK1 protein (p.Gly640Ser). This variant is present in population databases (rs763499196, gnomAD 0.002%). This variant has not been reported in the literature in individuals affected with SIK1-related conditions. ClinVar contains an entry for this variant (Variation ID: 664797). Invitae Evidence Modeling of protein sequence and biophysical properties (such as structural, functional, and spatial information, amino acid conservation, physicochemical variation, residue mobility, and thermodynamic stability) indicates that this missense variant is not expected to disrupt SIK1 protein function with a negative predictive value of 95%. In summary, the available evidence is currently insufficient to determine the role of this variant in disease. Therefore, it has been classified as a Variant of Uncertain Significance.

Ambry Genetics
Classification: Likely benign for Inborn genetic diseases. Last evaluated: 2024-12-14. Review status: criteria provided, single submitter. Criteria: Ambry Variant Classification Scheme 2023. Collection method: clinical testing. Allele origin: germline.

NM_173354.5(SIK1):c.1918G>A (p.Gly640Ser)

Gene: SIK1 (salt inducible kinase 1; minus strand). Cytogenetic location: 21q22.3.
Variant type: single nucleotide variant.
Coding change: c.1918G>A on transcript NM_173354.5 (MANE Select); coding-DNA position 1918, G replaced by A.
Protein change: p.Gly640Ser; replaces glycine 640 with serine.
Molecular consequence: missense variant.
Genome position (GRCh38, 1-based): chr21:43,417,601, C>T on the plus strand (G>A on the coding strand, the complement: SIK1 is on the minus strand). VCF-style: chr21-43417601-C-T. GRCh37 (hg19) VCF-style: chr21-44837481-C-T.
Other names: c.1918G>A (NM_173354.3); short protein forms G640S.
Identifiers: ClinVar variation 664797 (VCV000664797.12), dbSNP rs763499196, ClinGen allele CA321324811.
Genomic context (GRCh38, chr21:43,417,601, plus strand): 5'-ACCTCTGCTGCTCTAGCACCTCCTCCAGCAGGCTCCAGCCCTCCCGGCTGCCGGCTGCGC[C>T]GCCGTGCAGGCCTGGGCTCTGTGCAGGGGCGTGGAAGGGGCTCAGGCCGCCCCTGCTGGC-3'
Protein context (NP_775490.2, residues 630-650): APAQSPGLHG[Gly640Ser]AAGSREGWSL